The following is an entry in ClinVar:

NM_006642.5(SDCCAG8):c.727T>C (p.Leu243=)

Gene: SDCCAG8 (SHH signaling and ciliogenesis regulator SDCCAG8; plus strand). Cytogenetic location: 1q43.
Variant type: single nucleotide variant.
Coding change: c.727T>C on transcript NM_006642.5 (MANE Select); coding-DNA position 727, T replaced by C.
Protein change: p.Leu243=; no amino-acid change (leucine 243 retained).
Molecular consequence: synonymous variant. On other transcripts: 5 prime UTR variant (3).
Genome position (GRCh38, 1-based): chr1:243,304,764, T>C. VCF-style: chr1-243304764-T-C. GRCh37 (hg19) VCF-style: chr1-243468066-T-C.
Other names: c.-386T>C (NM_001350246.2); c.-274T>C (NM_001350247.2); c.823T>C, p.Leu275= (NM_001350248.2); c.433T>C, p.Leu145= (NM_001350249.2); c.-551T>C (NM_001350251.2); c.727T>C (NM_006642.3).
Identifiers: ClinVar variation 2062687 (VCV002062687.6), dbSNP rs756533597, ClinGen allele CA1483413.

ClinVar aggregate classification (germline): Likely benign. Review status: criteria provided, multiple submitters, no conflicts (2 of 4 stars). 3 submissions from 3 submitters: Likely benign (2). 1 of the submissions does not count toward it. Last evaluated 2025-12-03.

Conditions:
SDCCAG8-related disorder. Also called: SDCCAG8-Related Disorders; SDCCAG8-related condition.
Senior-Loken syndrome 7 (SLSN7). Identifiers: Orphanet 3156, MedGen C3150877, MONDO:0013326, OMIM 613615.
Bardet-Biedl syndrome 16 (BBS16). Identifiers: Orphanet 110, MedGen C3889474, MONDO:0014444, OMIM 615993.

Allele frequency attached by ClinVar (database versions not stated): gnomAD exomes below 0.00001; gnomAD 0.00001; ExAC 0.00003; TOPMed 0.00003.
gnomAD v4.1: 9 of 1,587,434 alleles (0.00057%); highest among the groups gnomAD compares: Admixed American, 0.01%; no homozygotes.

Submissions (3):

Labcorp Genetics (formerly Invitae), Labcorp
Classification: Likely benign for Bardet-Biedl syndrome 16; Senior-Loken syndrome 7. Last evaluated: 2025-12-03. Review status: criteria provided, single submitter. Criteria: Invitae Variant Classification Sherloc (09022015). Collection method: clinical testing. Allele origin: germline.

Blueprint Genetics
Classification: Likely benign. Last evaluated: 2022-09-02. Review status: criteria provided, single submitter. Criteria: ACMG Guidelines, 2015. Collection method: clinical testing. Allele origin: germline.

PreventionGenetics, part of Exact Sciences
Classification: Likely benign for SDCCAG8-related condition. Last evaluated: 2020-01-24. Review status: no assertion criteria provided. Collection method: clinical testing. Allele origin: germline. Not counted in ClinVar's aggregate classification.
Comment: This variant is classified as likely benign based on ACMG/AMP sequence variant interpretation guidelines (Richards et al. 2015 PMID: 25741868, with internal and published modifications).